The following is an entry in ClinVar:

ClinVar aggregate classification (germline): Uncertain significance (1 of 4 stars; one submission).

Conditions:
Inborn genetic diseases. Identifiers: MedGen C0950123, MeSH D030342.

Allele frequency attached by ClinVar (database versions not stated): gnomAD exomes below 0.00001.
gnomAD v4.1: 6 of 1,609,922 alleles (0.00037%); highest among the groups gnomAD compares: African/African-American, 0.0013%; no homozygotes.

Submission:

Ambry Genetics
Classification: Uncertain significance for Inborn genetic diseases. Last evaluated: 2023-06-09. Review status: criteria provided, single submitter. Criteria: Ambry Variant Classification Scheme 2023. Collection method: clinical testing. Allele origin: germline.
Comment: The p.E491K variant (also known as c.1471G>A), located in coding exon 10 of the MIB1 gene, results from a G to A substitution at nucleotide position 1471. The glutamic acid at codon 491 is replaced by lysine, an amino acid with similar properties. This amino acid position is conserved. In addition, this alteration is predicted to be tolerated by in silico analysis. Since supporting evidence is limited at this time, the clinical significance of this alteration remains unclear.

NM_020774.4(MIB1):c.1471G>A (p.Glu491Lys)

Gene: MIB1 (MIB E3 ubiquitin protein ligase 1; plus strand). Cytogenetic location: 18q11.2.
Variant type: single nucleotide variant.
Coding change: c.1471G>A on transcript NM_020774.4 (MANE Select); coding-DNA position 1471, G replaced by A.
Protein change: p.Glu491Lys; replaces glutamic acid 491 with lysine.
Molecular consequence: missense variant.
Genome position (GRCh38, 1-based): chr18:21,804,006, G>A. VCF-style: chr18-21804006-G-A. GRCh37 (hg19) VCF-style: chr18-19383967-G-A.
Other names: short protein forms E491K.
Identifiers: ClinVar variation 2563678 (VCV002563678.2), dbSNP rs1434392772, ClinGen allele CA401755174.